The following is an entry in ClinVar:

NM_000313.4(PROS1):c.449A>G (p.Gln150Arg)

Gene: PROS1 (protein S; minus strand). Cytogenetic location: 3q11.1.
Variant type: single nucleotide variant.
Coding change: c.449A>G on transcript NM_000313.4 (MANE Select); coding-DNA position 449, A replaced by G.
Protein change: p.Gln150Arg; replaces glutamine 150 with arginine.
Molecular consequence: missense variant.
Genome position (GRCh38, 1-based): chr3:93,906,041, T>C on the plus strand (A>G on the coding strand, the complement: PROS1 is on the minus strand). VCF-style: chr3-93906041-T-C. GRCh37 (hg19) VCF-style: chr3-93624885-T-C.
Other names: c.545A>G (NM_001314077.1); c.545A>G, p.Gln182Arg (NM_001314077.2); short protein forms Q182R, Q150R.
Identifiers: ClinVar variation 1421408 (VCV001421408.6), dbSNP rs754149240, ClinGen allele CA2503491.

ClinVar aggregate classification (germline): Uncertain significance. Review status: criteria provided, multiple submitters, no conflicts (2 of 4 stars). 3 submissions from 3 submitters: Uncertain significance (3). Last evaluated 2025-09-08.

Conditions:
Hereditary thrombophilia due to congenital protein S deficiency. Identifiers: Orphanet 743, MedGen C2584611, MONDO:0019144.
Thrombophilia due to protein S deficiency, autosomal recessive (THPH6). Identifiers: Orphanet 743, MedGen C3281092, MONDO:0013791, OMIM 614514. Disease mechanism: loss of function.
Thrombophilia due to protein S deficiency, autosomal dominant (THPH5). Identifiers: Orphanet 26349, Orphanet 743, MedGen C3278211, MONDO:0012868, OMIM 612336. Disease mechanism: loss of function.

Allele frequency attached by ClinVar (database versions not stated): gnomAD 0.00001; gnomAD exomes 0.00003 and 0.00005; ExAC 0.00004; TOPMed 0.00005.
gnomAD v4.1: 50 of 1,614,036 alleles (0.0031%); highest among the groups gnomAD compares: Middle Eastern, 0.016%; no homozygotes.

Submissions (3):

Labcorp Genetics (formerly Invitae), Labcorp
Classification: Uncertain significance for Thrombophilia due to protein S deficiency, autosomal recessive. Last evaluated: 2025-09-08. Review status: criteria provided, single submitter. Criteria: Invitae Variant Classification Sherloc (09022015). Collection method: clinical testing. Allele origin: germline.
Comment: This sequence change replaces glutamine, which is neutral and polar, with arginine, which is basic and polar, at codon 150 of the PROS1 protein (p.Gln150Arg). This variant is present in population databases (rs754149240, gnomAD 0.01%). This variant has not been reported in the literature in individuals affected with PROS1-related conditions. ClinVar contains an entry for this variant (Variation ID: 1421408). Invitae Evidence Modeling of protein sequence and biophysical properties (such as structural, functional, and spatial information, amino acid conservation, physicochemical variation, residue mobility, and thermodynamic stability) indicates that this missense variant is not expected to disrupt PROS1 protein function with a negative predictive value of 80%. In summary, the available evidence is currently insufficient to determine the role of this variant in disease. Therefore, it has been classified as a Variant of Uncertain Significance.

Fulgent Genetics
Classification: Uncertain significance for Thrombophilia due to protein S deficiency, autosomal dominant; Thrombophilia due to protein S deficiency, autosomal recessive. Last evaluated: 2021-08-04. Review status: criteria provided, single submitter. Criteria: ACMG Guidelines, 2015. Collection method: clinical testing. Allele origin: unknown.

Victorian Clinical Genetics Services, Murdoch Childrens Research Institute
Classification: Uncertain significance for Hereditary thrombophilia due to congenital protein S deficiency. Last evaluated: 2020-04-09. Review status: criteria provided, single submitter. Criteria: ACMG Guidelines, 2015. Collection method: clinical testing. Allele origin: germline. Inheritance: Autosomal dominant inheritance.
Comment: Based on the classification scheme VCGS_Germline_v1.1.1, this variant is classified as 3B-VUS. Following criteria are met: 0102 - Loss-of-function is a known mechanism of disease for this gene. (N) 0108 - This gene is known to be associated with both recessive and dominant disease (OMIM). (N) 0112 - Variants in this gene are known to have reduced penetrance (PMID:31335064). (N) 0200 - Variant is predicted to result in a missense amino acid change from glutamine to arginine. (N) 0251 - Variant is heterozygous. (N) 0304 - Variant is present in gnomAD <0.01 for a recessive condition (13 heterozygotes, 0 homozygotes). (P) 0503 - Missense variant consistently predicted to be tolerated or not conserved in mammals with a minor amino acid change. (B) 0600 - Variant is located in an annotated domain or motif (Calcium-binding EFG-like domain; NCBI). (N) 0705 - No comparable variants have previous evidence for pathogenicity. (N) 0807 - Variant has not previously been reported in a clinical context. (N) 0905 - No segregation evidence has been identified for this variant. (N) 1007 - No published functional evidence has been identified for this variant. (N) 1201 - Heterozygous variant detected in trans with a second pathogenic heterozygous variant in a recessive disease. (N) Legend: (P) - Pathogenic, (N) - Neutral, (B) - Benign

Literature cited by the submitters: PubMed 31335064 (cited by Victorian Clinical Genetics Services, Murdoch Childrens Research Institute).